The following is an entry in ClinVar:

ClinVar aggregate classification (germline): Uncertain significance (1 of 4 stars; one submission).

Conditions:
Hereditary sensory and autonomic neuropathy type 1 (HSAN1). Also called: HSAN 1; HSN Type I; Hereditary Sensory Neuropathy Type I. Identifiers: Orphanet 36386, MedGen C0020071, MONDO:0018213.

Allele frequency attached by ClinVar (database versions not stated): gnomAD exomes 0.00001 and 0.00003; gnomAD 0.00001; ExAC 0.00002; TOPMed 0.00002.
gnomAD v4.1: 11 of 1,592,682 alleles (0.00069%); highest among the groups gnomAD compares: Admixed American, 0.018%; no homozygotes.

Submission:

Labcorp Genetics (formerly Invitae), Labcorp
Classification: Uncertain significance for Hereditary sensory and autonomic neuropathy type 1. Last evaluated: 2021-02-12. Review status: criteria provided, single submitter. Criteria: Invitae Variant Classification Sherloc (09022015). Collection method: clinical testing. Allele origin: germline.
Comment: In summary, the available evidence is currently insufficient to determine the role of this variant in disease. Therefore, it has been classified as a Variant of Uncertain Significance. Algorithms developed to predict the effect of missense changes on protein structure and function are either unavailable or do not agree on the potential impact of this missense change (SIFT: "Deleterious"; PolyPhen-2: "Possibly Damaging"; Align-GVGD: "Class C0"). This variant has not been reported in the literature in individuals with SPTLC1-related conditions. This variant is present in population databases (rs748634825, ExAC 0.03%). This sequence change replaces lysine with methionine at codon 262 of the SPTLC1 protein (p.Lys262Met). The lysine residue is moderately conserved and there is a moderate physicochemical difference between lysine and methionine.

NM_006415.4(SPTLC1):c.785A>T (p.Lys262Met)

Gene: SPTLC1 (serine palmitoyltransferase long chain base subunit 1; minus strand). Cytogenetic location: 9q22.31.
Variant type: single nucleotide variant.
Coding change: c.785A>T on transcript NM_006415.4 (MANE Select); coding-DNA position 785, A replaced by T.
Protein change: p.Lys262Met; replaces lysine 262 with methionine.
Molecular consequence: missense variant.
Genome position (GRCh38, 1-based): chr9:92,050,063, T>A on the plus strand (A>T on the coding strand, the complement: SPTLC1 is on the minus strand). VCF-style: chr9-92050063-T-A. GRCh37 (hg19) VCF-style: chr9-94812345-T-A.
Other names: c.785A>T, p.Lys262Met (NM_001281303.2); c.419A>T, p.Lys140Met (NM_001368272.1); c.320A>T, p.Lys107Met (NM_001368273.1); short protein forms K262M, K107M, K140M.
Identifiers: ClinVar variation 1421552 (VCV001421552.8), dbSNP rs748634825, ClinGen allele CA5121422.